The following is an entry in ClinVar:

ClinVar aggregate classification (germline): Uncertain significance (1 of 4 stars; one submission).

Conditions:
Hereditary cancer-predisposing syndrome. Also called: Hereditary Cancer Syndrome; Tumor predisposition; Hereditary neoplastic syndrome; Neoplastic Syndromes, Hereditary. Identifiers: Orphanet 140162, MedGen C0027672, MeSH D009386, MONDO:0015356.

Submission:

Ambry Genetics
Classification: Uncertain significance for Hereditary cancer-predisposing syndrome. Last evaluated: 2024-05-07. Review status: criteria provided, single submitter. Criteria: Ambry Variant Classification Scheme 2023. Collection method: clinical testing. Allele origin: germline.
Comment: The p.T359S variant (also known as c.1075A>T), located in coding exon 13 of the CDC73 gene, results from an A to T substitution at nucleotide position 1075. The threonine at codon 359 is replaced by serine, an amino acid with similar properties. This amino acid position is conserved. In addition, the in silico prediction for this alteration is inconclusive. Based on the available evidence, the clinical significance of this variant remains unclear.

NM_024529.5(CDC73):c.1075A>T (p.Thr359Ser)

Gene: CDC73 (cell division cycle 73; plus strand). Cytogenetic location: 1q31.2.
Variant type: single nucleotide variant.
Coding change: c.1075A>T on transcript NM_024529.5 (MANE Select); coding-DNA position 1075, A replaced by T.
Protein change: p.Thr359Ser; replaces threonine 359 with serine.
Molecular consequence: missense variant.
Genome position (GRCh38, 1-based): chr1:193,212,398, A>T. VCF-style: chr1-193212398-A-T. GRCh37 (hg19) VCF-style: chr1-193181528-A-T.
Other names: short protein forms T359S.
Identifiers: ClinVar variation 3265060 (VCV003265060.1).